The following is an entry in ClinVar:

ClinVar aggregate classification (germline): Uncertain significance. Review status: criteria provided, multiple submitters, no conflicts (2 of 4 stars). 2 submissions from 2 submitters: Uncertain significance (2). Last evaluated 2026-02-02.

Submissions (2):

Labcorp Genetics (formerly Invitae), Labcorp
Classification: Uncertain significance. Last evaluated: 2026-02-02. Review status: criteria provided, single submitter. Criteria: Invitae Variant Classification Sherloc (09022015). Collection method: clinical testing. Allele origin: germline.
Comment: This variant, c.1020_1021delinsTT, is a complex sequence change that results in the deletion of 2 and insertion of 2 amino acid(s) in the UNC80 protein (p.Gln340_Pro341delinsHisSer). Information on the frequency of this variant in the gnomAD database is not available, as this variant may be reported differently in the database. This variant has been observed in individual(s) with UNC80-related conditions (PMID: 32620897). ClinVar contains an entry for this variant (Variation ID: 1433319). Algorithms developed to predict the effect of variants on gene product structure and function are not available or were not evaluated for this variant. Experimental studies have shown that this variant affects UNC80 function (PMID: 32620897). In summary, the available evidence is currently insufficient to determine the role of this variant in disease. Therefore, it has been classified as a Variant of Uncertain Significance.

Women's Health and Genetics/Laboratory Corporation of America, LabCorp
Classification: Uncertain significance. Last evaluated: 2025-05-07. Review status: criteria provided, single submitter. Criteria: LabCorp Variant Classification Summary - May 2015. Collection method: clinical testing. Allele origin: germline.
Comment: Variant summary: UNC80 c.1020_1021delinsTT (p.Gln340_Pro341delinsHisSer) is part of a multinucleotide combination of 2-210678385-G-T (p.Gln340His) and 2-210678386-C-T (p.Pro341Ser) that results in an in-frame deletion-insertion that is predicted to delete 2 amino acids from the protein and also insert 2 amino acids. The variant allele was found at a frequency of 0.00082 in 156970 control chromosomes in the gnomAD database, including 1 homozygote. This frequency is not significantly higher than estimated for a pathogenic variant in UNC80 causing Infantile Hypotonia With Psychomotor Retardation And Characteristic Facies 2, allowing no conclusion about variant significance. c.1020_1021delinsTT has been observed in at-least one compound heterozygous individual with clinical features of Infantile Hypotonia With Psychomotor Retardation And Characteristic Facies 2, including hypotonia, feeding difficulties, seizures, developmental delay, intellectual disability, and nonverbal (example: Wie_2020). These report(s) do not provide unequivocal conclusions about association of the variant with Infantile Hypotonia With Psychomotor Retardation And Characteristic Facies 2. At least one publication reports experimental evidence evaluating an impact on protein function. Specifically, mutant cDNA, transfected into HEK293T cells, generated protein levels comparable to wild type; however, when the mutant cDNA was transfected into UNC80 knockout mouse neurons, the variant generated little or no NALCN-dependent Na+ leak current, thus demonstrating that it largely disrupts UNC80 function (example: Wie_2020). ClinVar contains an entry for this variant (Variation ID: 1433319). Based on the evidence outlined above, the variant was classified as uncertain significance.

Literature cited by the submitters: PubMed 32620897 (cited by Labcorp Genetics (formerly Invitae), Labcorp and Women's Health and Genetics/Laboratory Corporation of America, LabCorp).

NM_001371986.1(UNC80):c.1020_1021delinsTT (p.Gln340_Pro341delinsHisSer)

Gene: UNC80 (unc-80 subunit of NALCN channel complex; plus strand). Cytogenetic location: 2q34.
Variant type: Indel.
Coding change: c.1020_1021delinsTT on transcript NM_001371986.1 (MANE Select); coding-DNA positions 1020 to 1021, GC replaced by TT.
Protein change: p.Gln340_Pro341delinsHisSer.
Molecular consequence: missense variant.
Genome position (GRCh38, 1-based): chr2:209,813,661-209,813,662, GC replaced by TT. VCF-style: chr2-209813661-GC-TT. GRCh37 (hg19) VCF-style: chr2-210678385-GC-TT.
Other names: c.1020_1021delinsTT, p.Gln340_Pro341delinsHisSer (NM_032504.2, NM_182587.4).
Identifiers: ClinVar variation 1433319 (VCV001433319.6), dbSNP rs2153827290, ClinGen allele CA658820876.